The following is an entry in ClinVar:

NM_019074.4(DLL4):c.494C>G (p.Thr165Arg)

Gene: DLL4 (delta like canonical Notch ligand 4; plus strand). Cytogenetic location: 15q15.1.
Variant type: single nucleotide variant.
Coding change: c.494C>G on transcript NM_019074.4 (MANE Select); coding-DNA position 494, C replaced by G.
Protein change: p.Thr165Arg; replaces threonine 165 with arginine.
Molecular consequence: missense variant.
Genome position (GRCh38, 1-based): chr15:40,931,602, C>G. VCF-style: chr15-40931602-C-G. GRCh37 (hg19) VCF-style: chr15-41223800-C-G.
Other names: short protein forms T165R.
Identifiers: ClinVar variation 3907723 (VCV003907723.1).
Genomic context (GRCh38, chr15:40,931,602, plus strand): 5'-TCCAGGGCTCCCTAGCTGTGGGTCAGAACTGGTTATTGGATGAGCAAACCAGCACCCTCA[C>G]AAGGCTGCGCTACTCTTACCGGGTCATCTGCAGTGACAACTACTATGGAGACAACTGCTC-3'
Protein context (NP_061947.1, residues 155-175): WLLDEQTSTL[Thr165Arg]RLRYSYRVIC

ClinVar aggregate classification (germline): Uncertain significance (1 of 4 stars; one submission).

Submission:

GeneDx
Classification: Uncertain significance. Last evaluated: 2024-12-31. Review status: criteria provided, single submitter. Criteria: GeneDx Variant Classification Process June 2021. Collection method: clinical testing. Allele origin: germline. Affected: yes.
Comment: Not observed at significant frequency in large population cohorts (gnomAD); In silico analysis supports that this missense variant has a deleterious effect on protein structure/function; Has not been previously published as pathogenic or benign to our knowledge